The following is an entry in ClinVar:

NM_001378778.1(MPDZ):c.4470G>C (p.Gln1490His)

Gene: MPDZ (multiple PDZ domain crumbs cell polarity complex component; minus strand). Cytogenetic location: 9p23.
Variant type: single nucleotide variant.
Coding change: c.4470G>C on transcript NM_001378778.1 (MANE Select); coding-DNA position 4470, G replaced by C.
Protein change: p.Gln1490His; replaces glutamine 1490 with histidine.
Molecular consequence: missense variant.
Genome position (GRCh38, 1-based): chr9:13,126,767, C>G on the plus strand (G>C on the coding strand, the complement: MPDZ is on the minus strand). VCF-style: chr9-13126767-C-G. GRCh37 (hg19) VCF-style: chr9-13126766-C-G.
Other names: c.4371G>C, p.Gln1457His (NM_001261406.2, NM_001261407.2, NM_001375416.1 and 3 more transcripts); c.4470G>C, p.Gln1490His (NM_001330637.2, NM_003829.5); c.4569G>C, p.Gln1523His (NM_001375413.1); c.4260G>C, p.Gln1420His (NM_001375420.1, NM_001375421.1, NM_001375422.1 and 4 more transcripts); c.4062G>C, p.Gln1354His (NM_001375427.1); short protein forms Q1420H, Q1490H, Q1354H, Q1457H, Q1523H.
Identifiers: ClinVar variation 2124780 (VCV002124780.4), dbSNP rs1563855037, ClinGen allele CA372947225.

ClinVar aggregate classification (germline): Uncertain significance (1 of 4 stars; one submission).

gnomAD v4.1: 1 of 1,613,656 alleles (0.000062%); highest among the groups gnomAD compares: South Asian, 0.0011%; no homozygotes.

Submission:

Labcorp Genetics (formerly Invitae), Labcorp
Classification: Uncertain significance. Last evaluated: 2022-04-11. Review status: criteria provided, single submitter. Criteria: Invitae Variant Classification Sherloc (09022015). Collection method: clinical testing. Allele origin: germline.
Comment: This variant is present in population databases (no rsID available, gnomAD 0.003%). This sequence change replaces glutamine, which is neutral and polar, with histidine, which is basic and polar, at codon 1490 of the MPDZ protein (p.Gln1490His). This variant has not been reported in the literature in individuals affected with MPDZ-related conditions. In summary, the available evidence is currently insufficient to determine the role of this variant in disease. Therefore, it has been classified as a Variant of Uncertain Significance. Algorithms developed to predict the effect of missense changes on protein structure and function are either unavailable or do not agree on the potential impact of this missense change (SIFT: "Deleterious"; PolyPhen-2: "Possibly Damaging"; Align-GVGD: "Class C15").